The following is an entry in ClinVar:

NM_001174147.2(LMX1B):c.*1666C>T

Gene: LMX1B (LIM homeobox transcription factor 1 beta; plus strand). Cytogenetic location: 9q33.3.
Variant type: single nucleotide variant.
Coding change: c.*1666C>T on transcript NM_001174147.2 (MANE Select); 1666 bases downstream of the stop codon, C replaced by T.
Molecular consequence: 3 prime UTR variant.
Genome position (GRCh38, 1-based): chr9:126,698,117, C>T. VCF-style: chr9-126698117-C-T. GRCh37 (hg19) VCF-style: chr9-129460396-C-T.
Other names: c.*1666C>T (NM_001174146.2, NM_002316.4).
Identifiers: ClinVar variation 364939 (VCV000364939.6), dbSNP rs10987416, ClinGen allele CA10626395.

ClinVar aggregate classification (germline): Benign. Review status: criteria provided, multiple submitters, no conflicts (2 of 4 stars). 2 submissions from 2 submitters: Benign (2). Last evaluated 2018-01-13.

Conditions:
Nail-patella syndrome (NPS). Also called: FONG DISEASE; ONYCHOOSTEODYSPLASIA; TURNER-KIESER SYNDROME. Identifiers: Orphanet 2614, MedGen C0027341, MONDO:0008061, OMIM 161200.

Allele frequency attached by ClinVar (database versions not stated): 1000 Genomes Project 0.21685; TOPMed 0.23434; gnomAD 0.23942 and 0.24350; gnomAD exomes 0.33436.
gnomAD v4.1: 37,327 of 152,488 alleles (24%); highest among the groups gnomAD compares: Middle Eastern, 38%; 5,343 homozygotes.

Submissions (2):

Illumina Laboratory Services, Illumina
Classification: Benign for Nail-patella syndrome. Last evaluated: 2018-01-13. Review status: criteria provided, single submitter. Criteria: ICSL Variant Classification Criteria 13 December 2019. Collection method: clinical testing. Allele origin: germline.
Comment: This variant was observed in the ICSL laboratory as part of a predisposition screen in an ostensibly healthy population. It had not been previously curated by ICSL or reported in the Human Gene Mutation Database (HGMD: prior to June 1st, 2018), and was therefore a candidate for classification through an automated scoring system. Utilizing variant allele frequency, disease prevalence and penetrance estimates, and inheritance mode, an automated score was calculated to assess if this variant is too frequent to cause the disease. Based on the score and internal cut-off values, a variant classified as benign is not then subjected to further curation. The score for this variant resulted in a classification of benign for this disease.

Breakthrough Genomics
Classification: Benign. Review status: criteria provided, single submitter. Criteria: ACMG Guidelines, 2015. Collection method: not provided. Allele origin: germline. Inheritance: Autosomal dominant inheritance. Affected: yes.